The following is an entry in ClinVar:

NM_002230.4(JUP):c.622A>G (p.Ile208Val)

Gene: JUP (junction plakoglobin; minus strand). Cytogenetic location: 17q21.2.
Variant type: single nucleotide variant.
Coding change: c.622A>G on transcript NM_002230.4 (MANE Select); coding-DNA position 622, A replaced by G.
Protein change: p.Ile208Val; replaces isoleucine 208 with valine.
Molecular consequence: missense variant.
Genome position (GRCh38, 1-based): chr17:41,769,054, T>C on the plus strand (A>G on the coding strand, the complement: JUP is on the minus strand). VCF-style: chr17-41769054-T-C. GRCh37 (hg19) VCF-style: chr17-39925306-T-C.
Other names: c.622A>G, p.Ile208Val (NM_001352773.2, NM_001352774.2, NM_001352775.2 and 3 more transcripts); short protein forms I208V.
Identifiers: ClinVar variation 1752319 (VCV001752319.7), dbSNP rs958679634, ClinGen allele CA290700532.

ClinVar aggregate classification (germline): Uncertain significance. Review status: criteria provided, multiple submitters, no conflicts (2 of 4 stars). 2 submissions from 2 submitters: Uncertain significance (2). Last evaluated 2026-01-28.

Conditions:
Naxos disease (NXD). Also called: KERATOSIS PALMOPLANTARIS WITH ARRHYTHMOGENIC CARDIOMYOPATHY; MAL DE NAXOS; PALMOPLANTAR KERATODERMA WITH ARRHYTHMOGENIC RIGHT VENTRICULAR CARDIOMYOPATHY AND WOOLLY HAIR; WOOLLY HAIR, PALMOPLANTAR KERATODERMA, AND CARDIAC ABNORMALITIES; CARDIOMYOPATHY, ARRHYTHMOGENIC RIGHT VENTRICULAR, WITH SKIN, HAIR, AND NAIL ABNORMALITIES. Identifiers: Orphanet 34217, MedGen C1832600, MONDO:0011017, OMIM 601214.
Arrhythmogenic right ventricular dysplasia 12. Also called: ARRHYTHMOGENIC RIGHT VENTRICULAR DYSPLASIA, FAMILIAL, 12. Identifiers: MedGen C1969081, MONDO:0012684, OMIM 611528.
Cardiovascular phenotype. Identifiers: MedGen CN230736.

Allele frequency attached by ClinVar (database versions not stated): gnomAD exomes below 0.00001; TOPMed below 0.00001.

Submissions (2):

Labcorp Genetics (formerly Invitae), Labcorp
Classification: Uncertain significance for Arrhythmogenic right ventricular dysplasia 12; Naxos disease. Last evaluated: 2026-01-28. Review status: criteria provided, single submitter. Criteria: Invitae Variant Classification Sherloc (09022015). Collection method: clinical testing. Allele origin: germline.
Comment: This sequence change replaces isoleucine, which is neutral and non-polar, with valine, which is neutral and non-polar, at codon 208 of the JUP protein (p.Ile208Val). This variant is not present in population databases (gnomAD no frequency). This variant has not been reported in the literature in individuals affected with JUP-related conditions. ClinVar contains an entry for this variant (Variation ID: 1752319). An algorithm developed to predict the effect of missense changes on protein structure and function (PolyPhen-2) suggests that this variant is likely to be tolerated. In summary, the available evidence is currently insufficient to determine the role of this variant in disease. Therefore, it has been classified as a Variant of Uncertain Significance.

Ambry Genetics
Classification: Uncertain significance for Cardiovascular phenotype. Last evaluated: 2024-08-28. Review status: criteria provided, single submitter. Criteria: Ambry Variant Classification Scheme 2023. Collection method: clinical testing. Allele origin: germline.